The following is an entry in ClinVar:

NM_001556.3(IKBKB):c.1337G>A (p.Arg446Gln)

Gene: IKBKB (inhibitor of nuclear factor kappa B kinase subunit beta; plus strand). Cytogenetic location: 8p11.21.
Variant type: single nucleotide variant.
Coding change: c.1337G>A on transcript NM_001556.3 (MANE Select); coding-DNA position 1337, G replaced by A.
Protein change: p.Arg446Gln; replaces arginine 446 with glutamine.
Molecular consequence: missense variant. On other transcripts: non-coding transcript variant (3).
Genome position (GRCh38, 1-based): chr8:42,318,648, G>A. VCF-style: chr8-42318648-G-A. GRCh37 (hg19) VCF-style: chr8-42176166-G-A.
Other names: c.1145G>A, p.Arg382Gln (NM_001190720.3); c.1160G>A, p.Arg387Gln (NM_001242778.2); short protein forms R387Q, R446Q, R382Q.
Identifiers: ClinVar variation 649552 (VCV000649552.3), dbSNP rs200485393, ClinGen allele CA4731964.
Genomic context (GRCh38, chr8:42,318,648, plus strand): 5'-TGAGGAAGGTGTGGGGCCAGGTCTGGCACAGCATCCAGACCCTGAAGGAAGATTGCAACC[G>A]GCTGCAGCAGGGACAGCGAGCCGCCATGTAGCGTGCCAGGCTTTTTTTTTAAACTTAATT-3'
Protein context (NP_001547.1, residues 436-456): SIQTLKEDCN[Arg446Gln]LQQGQRAAMM

ClinVar aggregate classification (germline): Uncertain significance (1 of 4 stars; one submission).

Conditions:
Severe combined immunodeficiency due to IKK2 deficiency. Also called: Immunodeficiency 15; IMMUNODEFICIENCY 15B. Identifiers: Orphanet 397787, MedGen C4747743, MONDO:0014267, OMIM 615592.

Allele frequency attached by ClinVar (database versions not stated): TOPMed below 0.00001; gnomAD 0.00001 and 0.00004; gnomAD exomes 0.00002 and 0.00006; ExAC 0.00007.

Submission:

Labcorp Genetics (formerly Invitae), Labcorp
Classification: Uncertain significance for Severe combined immunodeficiency due to IKK2 deficiency. Last evaluated: 2021-08-20. Review status: criteria provided, single submitter. Criteria: Invitae Variant Classification Sherloc (09022015). Collection method: clinical testing. Allele origin: germline.
Comment: This sequence change replaces arginine with glutamine at codon 446 of the IKBKB protein (p.Arg446Gln). The arginine residue is highly conserved and there is a small physicochemical difference between arginine and glutamine. This variant is present in population databases (rs200485393, ExAC 0.05%). This variant has not been reported in the literature in individuals affected with IKBKB-related conditions. Algorithms developed to predict the effect of missense changes on protein structure and function output the following: SIFT: "Deleterious"; PolyPhen-2: "Benign"; Align-GVGD: "Class C35". The glutamine amino acid residue is found in multiple mammalian species, which suggests that this missense change does not adversely affect protein function. In summary, the available evidence is currently insufficient to determine the role of this variant in disease. Therefore, it has been classified as a Variant of Uncertain Significance.